The following is an entry in ClinVar:

NM_198525.3(KIF7):c.1090C>T (p.Pro364Ser)

Gene: KIF7 (kinesin family member 7; minus strand). Cytogenetic location: 15q26.1.
Variant type: single nucleotide variant.
Coding change: c.1090C>T on transcript NM_198525.3 (MANE Select); coding-DNA position 1090, C replaced by T.
Protein change: p.Pro364Ser; replaces proline 364 with serine.
Molecular consequence: missense variant.
Genome position (GRCh38, 1-based): chr15:89,648,608, G>A on the plus strand (C>T on the coding strand, the complement: KIF7 is on the minus strand). VCF-style: chr15-89648608-G-A. GRCh37 (hg19) VCF-style: chr15-90191839-G-A.
Other names: short protein forms P364S.
Identifiers: ClinVar variation 887286 (VCV000887286.14), dbSNP rs764965490, ClinGen allele CA7728587.
Genomic context (GRCh38, chr15:89,648,608, plus strand): 5'-TGCGGGTCTCGGAGCGGTGCCGTGGCGGACCCCGCGCGCCGCTCGCCGTCTCTTCGGGTG[G>A]CCGCTCGGCCTCGGGCCGCCAGTTGACCGTGGCGCGGTTGCGGATGTTCTGGGCGCGGCT-3'
Protein context (NP_940927.2, residues 354-374): TVNWRPEAER[Pro364Ser]PEETASGARG

ClinVar aggregate classification (germline): Conflicting classifications of pathogenicity. Review status: criteria provided, conflicting classifications (1 of 4 stars). 6 submissions from 6 submitters: Uncertain significance (4); Likely benign (2). Last evaluated 2026-01-07.

Conditions:
Acrocallosal syndrome (ACLS). Also called: HALLUX DUPLICATION, POSTAXIAL POLYDACTYLY, AND ABSENCE OF CORPUS CALLOSUM; Schinzel syndrome 1; Absence of corpus callosum with unusual facial appearance, mental deficiency, duplication of the halluces and polydactyly. Identifiers: Orphanet 36, MedGen C0796147, MONDO:0008708, OMIM 200990.
Multiple epiphyseal dysplasia, Al-Gazali type. Also called: Macrocephaly with multiple epiphyseal dysplasia and distinctive facies. Identifiers: Orphanet 166024, MedGen C1846722, MONDO:0011778, OMIM 607131.
Hydrolethalus syndrome 2 (HLS2). Identifiers: Orphanet 2189, MedGen C3279899, MONDO:0013585, OMIM 614120.
Inborn genetic diseases. Identifiers: MedGen C0950123, MeSH D030342.

Allele frequency attached by ClinVar (database versions not stated): ExAC 0.00007; gnomAD exomes 0.00019 and 0.00038; gnomAD 0.00021; TOPMed 0.00026.
gnomAD v4.1: 547 of 1,532,238 alleles (0.036%); highest among the groups gnomAD compares: Non-Finnish European, 0.046%; 1 homozygote.

Submissions (6):

GeneDx
Classification: Uncertain significance. Last evaluated: 2026-01-07. Review status: criteria provided, single submitter. Criteria: GeneDx Variant Classification Process June 2021. Collection method: clinical testing. Allele origin: germline. Affected: yes.
Comment: In silico analysis suggests that this missense variant does not alter protein structure/function; Has not been previously published as pathogenic or benign to our knowledge

Ambry Genetics
Classification: Uncertain significance for Inborn genetic diseases. Last evaluated: 2025-01-21. Review status: criteria provided, single submitter. Criteria: Ambry Variant Classification Scheme 2023. Collection method: clinical testing. Allele origin: germline.

Blueprint Genetics
Classification: Likely benign. Last evaluated: 2024-05-07. Review status: criteria provided, single submitter. Criteria: ACMG Guidelines, 2015. Collection method: clinical testing. Allele origin: germline.

Fulgent Genetics
Classification: Likely benign for Acrocallosal syndrome; Multiple epiphyseal dysplasia, Al-Gazali type; Hydrolethalus syndrome 2. Last evaluated: 2024-03-29. Review status: criteria provided, single submitter. Criteria: ACMG Guidelines, 2015. Collection method: clinical testing. Allele origin: germline.

Labcorp Genetics (formerly Invitae), Labcorp
Classification: Uncertain significance for Acrocallosal syndrome. Last evaluated: 2022-10-18. Review status: criteria provided, single submitter. Criteria: Invitae Variant Classification Sherloc (09022015). Collection method: clinical testing. Allele origin: germline.
Comment: This sequence change replaces proline, which is neutral and non-polar, with serine, which is neutral and polar, at codon 364 of the KIF7 protein (p.Pro364Ser). This variant is present in population databases (rs764965490, gnomAD 0.04%). This variant has not been reported in the literature in individuals affected with KIF7-related conditions. ClinVar contains an entry for this variant (Variation ID: 887286). Advanced modeling of protein sequence and biophysical properties (such as structural, functional, and spatial information, amino acid conservation, physicochemical variation, residue mobility, and thermodynamic stability) performed at Invitae indicates that this missense variant is not expected to disrupt KIF7 protein function. In summary, the available evidence is currently insufficient to determine the role of this variant in disease. Therefore, it has been classified as a Variant of Uncertain Significance.

Illumina Laboratory Services, Illumina
Classification: Uncertain significance for Acrocallosal syndrome. Last evaluated: 2018-01-12. Review status: criteria provided, single submitter. Criteria: ICSL Variant Classification Criteria 13 December 2019. Collection method: clinical testing. Allele origin: germline.